The following is an entry in ClinVar:

ClinVar aggregate classification (germline): Uncertain significance (1 of 4 stars; one submission).

Conditions:
Hereditary breast ovarian cancer syndrome. Also called: BRCA1- and BRCA2-Associated Hereditary Breast and Ovarian Cancer; Hereditary breast and ovarian cancer; Hereditary breast and ovarian cancer syndrome (HBOC); Hereditary breast and ovarian cancer syndrome; Hereditary breast and/or ovarian cancer syndrome; Breast and ovarian cancer. Identifiers: Orphanet 145, MedGen C0677776, MeSH D061325, MONDO:0003582. Disease mechanism: loss of function.

Submission:

Labcorp Genetics (formerly Invitae), Labcorp
Classification: Uncertain significance for Hereditary breast ovarian cancer syndrome. Last evaluated: 2023-11-24. Review status: criteria provided, single submitter. Criteria: Invitae Variant Classification Sherloc (09022015). Collection method: clinical testing. Allele origin: germline.
Comment: This variant occurs in a non-coding region of the BRCA1 gene. It does not change the encoded amino acid sequence of the BRCA1 protein. This variant is not present in population databases (gnomAD no frequency). This variant has not been reported in the literature in individuals affected with BRCA1-related conditions. Algorithms developed to predict the effect of sequence changes on RNA splicing suggest that this variant may disrupt the consensus splice site. In summary, the available evidence is currently insufficient to determine the role of this variant in disease. Therefore, it has been classified as a Variant of Uncertain Significance.

NM_007294.4(BRCA1):c.-19-6T>A

Gene: BRCA1 (BRCA1 DNA repair associated; minus strand). Cytogenetic location: 17q21.31.
Variant type: single nucleotide variant.
Coding change: c.-19-6T>A on transcript NM_007294.4 (MANE Select); 6 bases into the intron before 19 bases upstream of the start codon, T replaced by A.
Molecular consequence: intron variant. On other transcripts: 5 prime UTR variant (10).
Genome position (GRCh38, 1-based): chr17:43,124,121, A>T on the plus strand (T>A on the coding strand, the complement: BRCA1 is on the minus strand). VCF-style: chr17-43124121-A-T. GRCh37 (hg19) VCF-style: chr17-41276138-A-T.
Other names: c.-207-6T>A (NM_001408506.1, NM_001408481.1, NM_001408480.1 and 41 more transcripts); c.-19-6T>A (NM_001408408.1, NM_001407647.1, NM_001408446.1 and 159 more transcripts); c.-276-6T>A (NM_001407724.1, NM_001408468.1, NM_001407842.1 and 11 more transcripts); c.-305-6T>A (NM_001407697.1, NM_001407846.1, NM_001407920.1); c.-279-6T>A (NM_001407838.1, NM_001408410.1, NM_001408503.1 and 22 more transcripts); c.-283-6T>A (NM_001407741.1, NM_001407934.1, NM_001408497.1); c.-25T>A (NM_001407593.1, NM_001407610.1, NM_001407621.1 and 6 more transcripts); c.-213T>A (NM_001408483.1); and 28 more.
Identifiers: ClinVar variation 2698685 (VCV002698685.3), dbSNP rs2154578338, ClinGen allele CA2697559928.